The following is an entry in ClinVar:

ClinVar aggregate classification (germline): Uncertain significance. Review status: criteria provided, multiple submitters, no conflicts (2 of 4 stars). 3 submissions from 3 submitters: Uncertain significance (3). Last evaluated 2025-10-01.

Conditions:
Atrial conduction disease. Identifiers: Orphanet 436242, MedGen CN221670, MONDO:0014500.
Inborn genetic diseases. Identifiers: MedGen C0950123, MeSH D030342.

gnomAD v4.1: 43 of 1,612,606 alleles (0.0027%); highest among the groups gnomAD compares: Non-Finnish European, 0.0035%; no homozygotes.

Submissions (3):

Labcorp Genetics (formerly Invitae), Labcorp
Classification: Uncertain significance. Last evaluated: 2025-10-01. Review status: criteria provided, single submitter. Criteria: Invitae Variant Classification Sherloc (09022015). Collection method: clinical testing. Allele origin: germline.
Comment: This sequence change replaces proline, which is neutral and non-polar, with leucine, which is neutral and non-polar, at codon 532 of the TNNI3K protein (p.Pro532Leu). This variant is present in population databases (no rsID available, gnomAD 0.007%). This variant has not been reported in the literature in individuals affected with TNNI3K-related conditions. ClinVar contains an entry for this variant (Variation ID: 1902420). Invitae Evidence Modeling of protein sequence and biophysical properties (such as structural, functional, and spatial information, amino acid conservation, physicochemical variation, residue mobility, and thermodynamic stability) has been performed for this missense variant. However, the output from this modeling did not meet the statistical confidence thresholds required to predict the impact of this variant on TNNI3K protein function. In summary, the available evidence is currently insufficient to determine the role of this variant in disease. Therefore, it has been classified as a Variant of Uncertain Significance.

Genome-Nilou Lab
Classification: Uncertain significance for Cardiac conduction disease with or without dilated cardiomyopathy 1. Last evaluated: 2023-04-11. Review status: criteria provided, single submitter. Criteria: ACMG Guidelines, 2015. Collection method: clinical testing. Allele origin: germline. Affected: no.

Ambry Genetics
Classification: Uncertain significance for Inborn genetic diseases. Last evaluated: 2022-07-20. Review status: criteria provided, single submitter. Criteria: Ambry Variant Classification Scheme 2023. Collection method: clinical testing. Allele origin: germline.

NM_015978.3(TNNI3K):c.1595C>T (p.Pro532Leu)

Genes: FPGT-TNNI3K (FPGT-TNNI3K readthrough; plus strand), TNNI3K (TNNI3 interacting kinase; plus strand). Cytogenetic location: 1p31.1.
Variant type: single nucleotide variant.
Coding change: c.1595C>T on transcript NM_015978.3 (MANE Select); coding-DNA position 1595, C replaced by T.
Protein change: p.Pro532Leu; replaces proline 532 with leucine.
Molecular consequence: missense variant.
Genome position (GRCh38, 1-based): chr1:74,369,513, C>T. VCF-style: chr1-74369513-C-T. GRCh37 (hg19) VCF-style: chr1-74835197-C-T.
Other names: c.1898C>T, p.Pro633Leu (NM_001112808.3, NM_001199327.2); short protein forms P633L, P532L.
Identifiers: ClinVar variation 1902420 (VCV001902420.7), dbSNP rs1261212852, ClinGen allele CA340786319.
Genomic context (GRCh38, chr1:74,369,513, plus strand): 5'-TTCTCTGCCAGCTCAATCATCCCTGCGTAATTCAGTTTGTGGGTGCTTGCTTGAATGATC[C>T]CAGCCAGTTTGCCATTGTCACTCAATACATATCAGGGGGTTCTCTGTTCTCCCTCCTTCA-3'
Protein context (NP_057062.1, residues 522-542): IQFVGACLND[Pro532Leu]SQFAIVTQYI